The following is an entry in ClinVar:

NM_012330.4(KAT6B):c.5584T>C (p.Ser1862Pro)

Gene: KAT6B (lysine acetyltransferase 6B; plus strand). Cytogenetic location: 10q22.2.
Variant type: single nucleotide variant.
Coding change: c.5584T>C on transcript NM_012330.4 (MANE Select); coding-DNA position 5584, T replaced by C.
Protein change: p.Ser1862Pro; replaces serine 1862 with proline.
Molecular consequence: missense variant.
Genome position (GRCh38, 1-based): chr10:75,030,408, T>C. VCF-style: chr10-75030408-T-C. GRCh37 (hg19) VCF-style: chr10-76790166-T-C.
Other names: c.5035T>C, p.Ser1679Pro (NM_001256468.2, NM_001370138.1); c.4708T>C, p.Ser1570Pro (NM_001256469.2, NM_001370139.1, NM_001370140.1 and 2 more transcripts); c.4546T>C, p.Ser1516Pro (NM_001370132.1); c.3895T>C, p.Ser1299Pro (NM_001370133.1); c.3499T>C, p.Ser1167Pro (NM_001370134.1); c.3241T>C, p.Ser1081Pro (NM_001370135.1); c.5584T>C, p.Ser1862Pro (NM_001370136.1, NM_001370137.1); c.4519T>C, p.Ser1507Pro (NM_001370143.1, NM_001370144.1); short protein forms S1081P, S1167P, S1299P, S1507P, S1516P, S1570P, S1679P, S1862P.
Identifiers: ClinVar variation 1720463 (VCV001720463.6), dbSNP rs2549212718, ClinGen allele CA377301747.
Genomic context (GRCh38, chr10:75,030,408, plus strand): 5'-TCCTATGCAAACAGTGCCTCTTTGTCCACACCATTAAGTAACACAGGGCTTGTTCAACTT[T>C]CTCAGTCTCCACACTCCGTCCCTGGGGGACCCCAAGCACAAGCTACCATGACCCCACCCC-3'
Protein context (NP_036462.2, residues 1852-1872): PLSNTGLVQL[Ser1862Pro]QSPHSVPGGP

ClinVar aggregate classification (germline): Uncertain significance (1 of 4 stars; one submission).

Conditions:
Genitopatellar syndrome (GTPTS). Also called: Genitopatellar syndrome (GPS); ABSENT PATELLAE, SCROTAL HYPOPLASIA, RENAL ANOMALIES, FACIAL DYSMORPHISM, AND MENTAL RETARDATION. Identifiers: Orphanet 85201, MedGen C1853566, MONDO:0011640, OMIM 606170.

Allele frequency attached by ClinVar (database versions not stated): gnomAD exomes below 0.00001.
gnomAD v4.1: 4 of 1,614,222 alleles (0.00025%); highest among the groups gnomAD compares: Non-Finnish European, 0.00034%; no homozygotes.

Submission:

Labcorp Genetics (formerly Invitae), Labcorp
Classification: Uncertain significance for Genitopatellar syndrome. Last evaluated: 2022-09-27. Review status: criteria provided, single submitter. Criteria: Invitae Variant Classification Sherloc (09022015). Collection method: clinical testing. Allele origin: germline.
Comment: This sequence change replaces serine, which is neutral and polar, with proline, which is neutral and non-polar, at codon 1862 of the KAT6B protein (p.Ser1862Pro). This variant is not present in population databases (gnomAD no frequency). Algorithms developed to predict the effect of missense changes on protein structure and function are either unavailable or do not agree on the potential impact of this missense change (SIFT: "Tolerated"; PolyPhen-2: "Probably Damaging"; Align-GVGD: "Class C0"). In summary, the available evidence is currently insufficient to determine the role of this variant in disease. Therefore, it has been classified as a Variant of Uncertain Significance. This variant has not been reported in the literature in individuals affected with KAT6B-related conditions.